The following is an entry in ClinVar:

ClinVar aggregate classification (germline): Pathogenic (1 of 4 stars; one submission).

Submission:

GeneDx
Classification: Pathogenic. Last evaluated: 2021-11-15. Review status: criteria provided, single submitter. Criteria: GeneDx Variant Classification Process June 2021. Collection method: clinical testing. Allele origin: germline. Affected: yes.
Comment: Frameshift variant predicted to result in protein truncation or nonsense mediated decay in a gene for which loss-of-function is a known mechanism of disease; Not observed at significant frequency in large population cohorts (Lek et al., 2016); Has not been previously published as pathogenic or benign to our knowledge

NM_000397.4(CYBB):c.751del (p.Trp251fs)

Gene: CYBB (cytochrome b-245 beta chain; plus strand). Cytogenetic location: Xp21.1.
Variant type: Deletion.
Coding change: c.751del on transcript NM_000397.4 (MANE Select); coding-DNA position 751, one base deleted (T; older notation c.751delT).
Protein change: p.Trp251fs; shifts the reading frame from tryptophan 251.
Molecular consequence: frameshift variant.
Genome position (GRCh38, 1-based): chrX:37,799,031, T deleted. VCF-style (leftmost placement, unchanged base first): chrX-37799030-AT-A. GRCh37 (hg19) VCF-style: chrX-37658283-AT-A.
Other names: short protein forms W251fs.
Identifiers: ClinVar variation 1321635 (VCV001321635.2), dbSNP rs2146813723, ClinGen allele CA2573055297.